The following is an entry in ClinVar:

ClinVar aggregate classification (germline): Pathogenic (1 of 4 stars; one submission).

Conditions:
Complex neurodevelopmental disorder with motor features. Identifiers: MedGen CN322244, MONDO:0100516.

Submission:

Victorian Clinical Genetics Services, Murdoch Childrens Research Institute
Classification: Pathogenic for Complex neurodevelopmental disorder with motor features. Last evaluated: 2024-10-09. Review status: criteria provided, single submitter. Criteria: ACMG Guidelines, 2015. Collection method: clinical testing. Allele origin: germline. Inheritance: Autosomal dominant inheritance. Affected: yes.
Comment: Based on the classification scheme VCGS_Germline_v1.3.4, this variant is classified as Pathogenic. Following criteria are met: 0102 - Loss of function is a known mechanism of disease in this gene and is associated with childhood-onset dystonia 28 (MIM#617284) and autosomal dominant intellectual developmental disorder 68 (MIM#619934). (I) 0107 - This gene is associated with autosomal dominant disease. (I) 0112 - The condition associated with this gene has incomplete penetrance. Rarely, inheritance from an asymptomatic parent has been reported for missense variants (PMID: 33150406). (I) 0201 - Variant is predicted to cause nonsense-mediated decay (NMD) and loss of protein (premature termination codon is located at least 54 nucleotides upstream of the final exon-exon junction). (SP) 0251 - This variant is heterozygous. (I) 0301 - Variant is absent from gnomAD (both v2 and v3). (SP) 0701 - Many other NMD-predicted variants comparable to the one identified in this case have very strong previous evidence for pathogenicity (DECIPHER). (SP) 0807 - This variant has no previous evidence of pathogenicity. (I) 0905 - No published segregation evidence has been identified for this variant. (I) 1007 - No published functional evidence has been identified for this variant. (SP) Legend: (SP) - Supporting pathogenic, (I) - Information, (SB) - Supporting benign

Literature cited by the submitters: PubMed 33150406.

NM_014727.3(KMT2B):c.430C>T (p.Gln144Ter)

Gene: KMT2B (lysine methyltransferase 2B; plus strand). Cytogenetic location: 19q13.12.
Variant type: single nucleotide variant.
Coding change: c.430C>T on transcript NM_014727.3 (MANE Select); coding-DNA position 430, C replaced by T.
Protein change: p.Gln144Ter; replaces glutamine 144 with a stop codon.
Molecular consequence: nonsense.
Genome position (GRCh38, 1-based): chr19:35,719,535, C>T. VCF-style: chr19-35719535-C-T. GRCh37 (hg19) VCF-style: chr19-36210437-C-T.
Other names: short protein forms Q144*.
Identifiers: ClinVar variation 3377283 (VCV003377283.1).